The following is an entry in ClinVar:

ClinVar aggregate classification (germline): Uncertain significance. Review status: criteria provided, single submitter (1 of 4 stars). 2 submissions from 2 submitters: Uncertain significance (1). 1 of the submissions does not count toward it. Last evaluated 2024-07-02.

Conditions:
SERPINA1-related disorder. Also called: SerpinA1-related disorders; SERPINA1-related condition.

gnomAD v4.1: 71 of 1,614,124 alleles (0.0044%); highest among the groups gnomAD compares: African/African-American, 0.016%; no homozygotes.

Submissions (2):

Blueprint Genetics
Classification: Uncertain significance. Last evaluated: 2024-07-02. Review status: criteria provided, single submitter. Criteria: ACMG Guidelines, 2015. Collection method: clinical testing. Allele origin: germline.

PreventionGenetics, part of Exact Sciences
Classification: Uncertain significance for SERPINA1-related condition. Last evaluated: 2024-05-23. Review status: no assertion criteria provided. Collection method: clinical testing. Allele origin: germline. Not counted in ClinVar's aggregate classification.
Comment: The SERPINA1 c.553G>A variant is predicted to result in the amino acid substitution p.Val185Met. To our knowledge, this variant has not been reported in the literature. This variant is reported in 0.0080% of alleles in individuals of African descent in gnomAD. At this time, the clinical significance of this variant is uncertain due to the absence of conclusive functional and genetic evidence.

NM_000295.5(SERPINA1):c.553G>A (p.Val185Met)

Gene: SERPINA1 (serpin family A member 1; minus strand). Cytogenetic location: 14q32.13.
Variant type: single nucleotide variant.
Coding change: c.553G>A on transcript NM_000295.5 (MANE Select); coding-DNA position 553, G replaced by A.
Protein change: p.Val185Met; replaces valine 185 with methionine.
Molecular consequence: missense variant.
Genome position (GRCh38, 1-based): chr14:94,382,685, C>T on the plus strand (G>A on the coding strand, the complement: SERPINA1 is on the minus strand). VCF-style: chr14-94382685-C-T. GRCh37 (hg19) VCF-style: chr14-94849022-C-T.
Other names: c.553G>A, p.Val185Met (NM_001002235.3, NM_001002236.3, NM_001127700.2 and 7 more transcripts); short protein forms V185M.
Identifiers: ClinVar variation 3350441 (VCV003350441.2).